The following is an entry in ClinVar:

NM_003982.4(SLC7A7):c.1225G>C (p.Asp409His)

Gene: SLC7A7 (solute carrier family 7 member 7; minus strand). Cytogenetic location: 14q11.2.
Variant type: single nucleotide variant.
Coding change: c.1225G>C on transcript NM_003982.4 (MANE Select); coding-DNA position 1225, G replaced by C.
Protein change: p.Asp409His; replaces aspartic acid 409 with histidine.
Molecular consequence: missense variant.
Genome position (GRCh38, 1-based): chr14:22,774,374, C>G on the plus strand (G>C on the coding strand, the complement: SLC7A7 is on the minus strand). VCF-style: chr14-22774374-C-G. GRCh37 (hg19) VCF-style: chr14-23243583-C-G.
Other names: c.1225G>C, p.Asp409His (NM_001126105.3, NM_001126106.4); short protein forms D409H.
Identifiers: ClinVar variation 964332 (VCV000964332.7), dbSNP rs2038550517, ClinGen allele CA388921624.

ClinVar aggregate classification (germline): Uncertain significance (1 of 4 stars; one submission).

Conditions:
Lysinuric protein intolerance (LPI). Identifiers: Orphanet 470, MedGen C0268647, MONDO:0009109, OMIM 222700.

Allele frequency attached by ClinVar (database versions not stated): gnomAD exomes below 0.00001; TOPMed below 0.00001.
gnomAD v4.1: 5 of 1,614,176 alleles (0.00031%); highest among the groups gnomAD compares: African/African-American, 0.0027%; no homozygotes.

Submission:

Labcorp Genetics (formerly Invitae), Labcorp
Classification: Uncertain significance for Lysinuric protein intolerance. Last evaluated: 2022-09-27. Review status: criteria provided, single submitter. Criteria: Invitae Variant Classification Sherloc (09022015). Collection method: clinical testing. Allele origin: germline.
Comment: This sequence change replaces aspartic acid, which is acidic and polar, with histidine, which is basic and polar, at codon 409 of the SLC7A7 protein (p.Asp409His). This variant is not present in population databases (gnomAD no frequency). This variant has not been reported in the literature in individuals affected with SLC7A7-related conditions. ClinVar contains an entry for this variant (Variation ID: 964332). Algorithms developed to predict the effect of missense changes on protein structure and function (SIFT, PolyPhen-2, Align-GVGD) all suggest that this variant is likely to be tolerated. In summary, the available evidence is currently insufficient to determine the role of this variant in disease. Therefore, it has been classified as a Variant of Uncertain Significance.